The following is an entry in ClinVar:

NM_203486.3(DLL3):c.926G>A (p.Cys309Tyr)

Gene: DLL3 (delta like canonical Notch ligand 3; plus strand). Cytogenetic location: 19q13.2.
Variant type: single nucleotide variant.
Coding change: c.926G>A on transcript NM_203486.3 (MANE Select); coding-DNA position 926, G replaced by A.
Protein change: p.Cys309Tyr; replaces cysteine 309 with tyrosine.
Molecular consequence: missense variant.
Genome position (GRCh38, 1-based): chr19:39,505,284, G>A. VCF-style: chr19-39505284-G-A. GRCh37 (hg19) VCF-style: chr19-39995924-G-A.
Other names: p.Cys309Tyr; c.926G>A, p.Cys309Tyr (NM_016941.4); short protein forms C309Y.
Identifiers: ClinVar variation 5042607 (VCV005042607.1).

ClinVar aggregate classification (germline): Likely pathogenic (1 of 4 stars; one submission).

Conditions:
Spondylocostal dysostosis 1, autosomal recessive (SCDO1). Also called: DLL3-Related Spondylocostal Dysostosis, Autosomal Recessive. Identifiers: Orphanet 2311, MedGen CN032975, MONDO:0020692, OMIM 277300.

gnomAD v4.1: 1 of 1,614,240 alleles (0.000062%); highest among the groups gnomAD compares: Non-Finnish European, 0.000085%; no homozygotes.

Submission:

Department of Molecular Genetics, Istishari Arab Hospital
Classification: Likely pathogenic for Spondylocostal dysostosis 1, autosomal recessive. Last evaluated: 2026-10-31. Review status: criteria provided, single submitter. Criteria: ACMG Guidelines, 2015. Collection method: clinical testing. Allele origin: germline. Inheritance: Autosomal recessive inheritance. Affected: yes.
Comment: The DLL3 variant c.926G>A, p.Cys309Tyr causes an amino acid change from Cys to Tyr at position 309 in exon 6 (of 9). The variant is observed at an extremely low frequency in the gnomAD v4.1.0 dataset (total allele frequency: <0.00001). The variant has previously been reported in the homozygous state in a Palestinian family with spondylocostal dysostosis (PMID: 12746394). Computational predictions support a deleterious effect. It is classified as likely pathogenic based on the implementation of the ACMG/AMP/ClinGen SVI guidelines.

Literature cited by the submitters: PubMed 12746394.